The following is an entry in ClinVar:

ClinVar aggregate classification (germline): Uncertain significance (1 of 4 stars; one submission).

Conditions:
Tay-Sachs disease (TSD). Also called: GM2 gangliosidosis, type 1; Hexosaminidase alpha-subunit deficiency (variant B); Sphingolipidosis, Tay-Sachs; Hexosaminidase A Deficiency; HEXA DEFICIENCY; HEXA Disorders. Identifiers: Orphanet 845, MedGen C0039373, MONDO:0010100, OMIM 272800.

Allele frequency attached by ClinVar (database versions not stated): ExAC 0.00002; gnomAD 0.00005; TOPMed 0.00007; gnomAD exomes 0.00008.
gnomAD v4.1: 119 of 1,614,022 alleles (0.0074%); highest among the groups gnomAD compares: Non-Finnish European, 0.0097%; no homozygotes.

Submission:

Labcorp Genetics (formerly Invitae), Labcorp
Classification: Uncertain significance for Tay-Sachs disease. Last evaluated: 2018-04-12. Review status: criteria provided, single submitter. Criteria: Invitae Variant Classification Sherloc (09022015). Collection method: clinical testing. Allele origin: germline.
Comment: This sequence change replaces valine with aspartic acid at codon 363 of the HEXA protein (p.Val363Asp). The valine residue is highly conserved and there is a large physicochemical difference between valine and aspartic acid. This variant is present in population databases (rs746202567, ExAC 0.003%). This variant has not been reported in the literature in individuals with HEXA-related disease. Algorithms developed to predict the effect of missense changes on protein structure and function do not agree on the potential impact of this missense change (SIFT: "Deleterious"; PolyPhen-2: "Probably Damaging"; Align-GVGD: "Class C0"). In summary, the available evidence is currently insufficient to determine the role of this variant in disease. Therefore, it has been classified as a Variant of Uncertain Significance.

NM_000520.6(HEXA):c.1088T>A (p.Val363Asp)

Gene: HEXA (hexosaminidase subunit alpha; minus strand). Cytogenetic location: 15q23.
Variant type: single nucleotide variant.
Coding change: c.1088T>A on transcript NM_000520.6 (MANE Select); coding-DNA position 1088, T replaced by A.
Protein change: p.Val363Asp; replaces valine 363 with aspartic acid.
Molecular consequence: missense variant.
Genome position (GRCh38, 1-based): chr15:72,347,744, A>T on the plus strand (T>A on the coding strand, the complement: HEXA is on the minus strand). VCF-style: chr15-72347744-A-T. GRCh37 (hg19) VCF-style: chr15-72640085-A-T.
Other names: c.1121T>A, p.Val374Asp (NM_001318825.2); short protein forms V363D, V374D.
Identifiers: ClinVar variation 2168933 (VCV002168933.1), dbSNP rs746202567, ClinGen allele CA7644807.